The following is an entry in ClinVar:

NM_004656.4(BAP1):c.1660G>T (p.Gly554Cys)

Gene: BAP1 (BRCA1 associated deubiquitinase 1; minus strand). Cytogenetic location: 3p21.1.
Variant type: single nucleotide variant.
Coding change: c.1660G>T on transcript NM_004656.4 (MANE Select); coding-DNA position 1660, G replaced by T.
Protein change: p.Gly554Cys; replaces glycine 554 with cysteine.
Molecular consequence: missense variant.
Genome position (GRCh38, 1-based): chr3:52,403,485, C>A on the plus strand (G>T on the coding strand, the complement: BAP1 is on the minus strand). VCF-style: chr3-52403485-C-A. GRCh37 (hg19) VCF-style: chr3-52437501-C-A.
Other names: c.1606G>T, p.Gly536Cys (NM_001410772.1); short protein forms G554C, G536C.
Identifiers: ClinVar variation 3659110 (VCV003659110.2).

ClinVar aggregate classification (germline): Uncertain significance (1 of 4 stars; one submission).

Conditions:
BAP1-related tumor predisposition syndrome (TPDS1). Also called: Tumor susceptibility linked to germline BAP1 mutations; COMMON Syndrome; TUMOR PREDISPOSITION SYNDROME 1; BAP1 tumor predisposition syndrome. Identifiers: Orphanet 289539, MedGen C3280492, MONDO:0013692, OMIM 614327.

Submission:

Labcorp Genetics (formerly Invitae), Labcorp
Classification: Uncertain significance for BAP1-related tumor predisposition syndrome. Last evaluated: 2024-07-10. Review status: criteria provided, single submitter. Criteria: Invitae Variant Classification Sherloc (09022015). Collection method: clinical testing. Allele origin: germline.
Comment: This sequence change replaces glycine, which is neutral and non-polar, with cysteine, which is neutral and slightly polar, at codon 554 of the BAP1 protein (p.Gly554Cys). This variant is not present in population databases (gnomAD no frequency). This variant has not been reported in the literature in individuals affected with BAP1-related conditions. Advanced modeling of protein sequence and biophysical properties (such as structural, functional, and spatial information, amino acid conservation, physicochemical variation, residue mobility, and thermodynamic stability) has been performed at Invitae for this missense variant, however the output from this modeling did not meet the statistical confidence thresholds required to predict the impact of this variant on BAP1 protein function. In summary, the available evidence is currently insufficient to determine the role of this variant in disease. Therefore, it has been classified as a Variant of Uncertain Significance.